The following is an entry in ClinVar:

ClinVar aggregate classification (germline): Uncertain significance (1 of 4 stars; one submission).

Allele frequency attached by ClinVar (database versions not stated): gnomAD exomes 0.00001.
gnomAD v4.1: 3 of 1,614,120 alleles (0.00019%); highest among the groups gnomAD compares: South Asian, 0.0033%; no homozygotes.

Submission:

GeneDx
Classification: Uncertain significance. Last evaluated: 2025-07-15. Review status: criteria provided, single submitter. Criteria: GeneDx Variant Classification Process June 2021. Collection method: clinical testing. Allele origin: germline.
Comment: Not observed at significant frequency in large population cohorts (gnomAD); In silico analysis supports that this missense variant has a deleterious effect on protein structure/function; Has not been previously published as pathogenic or benign to our knowledge

NM_032578.4(MYPN):c.3322C>T (p.Leu1108Phe)

Gene: MYPN (myopalladin; plus strand). Cytogenetic location: 10q21.3.
Variant type: single nucleotide variant.
Coding change: c.3322C>T on transcript NM_032578.4 (MANE Select); coding-DNA position 3322, C replaced by T.
Protein change: p.Leu1108Phe; replaces leucine 1108 with phenylalanine.
Molecular consequence: missense variant. On other transcripts: non-coding transcript variant (2).
Genome position (GRCh38, 1-based): chr10:68,199,404, C>T. VCF-style: chr10-68199404-C-T. GRCh37 (hg19) VCF-style: chr10-69959161-C-T.
Other names: c.3322C>T, p.Leu1108Phe (NM_001256267.2); c.2440C>T, p.Leu814Phe (NM_001256268.2); short protein forms L1108F, L814F.
Identifiers: ClinVar variation 3253446 (VCV003253446.2), dbSNP rs772175207.